The following is an entry in ClinVar:

ClinVar aggregate classification (germline): Likely pathogenic (1 of 4 stars; one submission).

Submission:

GeneDx
Classification: Likely pathogenic. Last evaluated: 2025-09-08. Review status: criteria provided, single submitter. Criteria: GeneDx Variant Classification Process June 2021. Collection method: clinical testing. Allele origin: germline. Affected: yes.
Comment: Has not been previously published as pathogenic or benign in association with an FLNC-related disorder to our knowledge; Not observed at significant frequency in large population cohorts (gnomAD); Canonical splice site variant predicted to result in an in-frame loss of the adjacent exon in a gene for which loss of function is a known mechanism of disease; This variant is associated with the following publications: (PMID: 35699965)

NM_001458.5(FLNC):c.5668+1G>C

Genes: FLNC (filamin C; plus strand), FLNC-AS1 (FLNC antisense RNA 1; minus strand). Cytogenetic location: 7q32.1.
Variant type: single nucleotide variant.
Coding change: c.5668+1G>C on transcript NM_001458.5 (MANE Select); the canonical splice donor site of the intron after coding-DNA position 5668, G replaced by C.
Molecular consequence: splice donor variant.
Genome position (GRCh38, 1-based): chr7:128,851,361, G>C. VCF-style: chr7-128851361-G-C. GRCh37 (hg19) VCF-style: chr7-128491415-G-C.
Other names: c.5569+1G>C (NM_001127487.2).
Identifiers: ClinVar variation 4813238 (VCV004813238.1).